The following is an entry in ClinVar:

NM_004991.4(MECOM):c.1214T>C (p.Ile405Thr)

Gene: MECOM (MDS1 and EVI1 complex locus; minus strand). Cytogenetic location: 3q26.2.
Variant type: single nucleotide variant.
Coding change: c.1214T>C on transcript NM_004991.4 (MANE Select); coding-DNA position 1214, T replaced by C.
Protein change: p.Ile405Thr; replaces isoleucine 405 with threonine.
Molecular consequence: missense variant. On other transcripts: intron variant (2).
Genome position (GRCh38, 1-based): chr3:169,116,658, A>G on the plus strand (T>C on the coding strand, the complement: MECOM is on the minus strand). VCF-style: chr3-169116658-A-G. GRCh37 (hg19) VCF-style: chr3-168834446-A-G.
Other names: c.845T>C, p.Ile282Thr (NM_001105077.4); c.650T>C, p.Ile217Thr (NM_001105078.4, NM_001164000.2, NM_001205194.2 and 4 more transcripts); c.653T>C, p.Ile218Thr (NM_001163999.2, NM_001366467.2, NM_001366468.2 and 1 more transcripts); c.1214T>C, p.Ile405Thr (NM_001366466.2); c.1133-891T>C (NM_001366473.2); c.569-891T>C (NM_001366474.2); short protein forms I282T, I217T, I405T, I218T.
Identifiers: ClinVar variation 4624687 (VCV004624687.1).
Genomic context (GRCh38, chr3:169,116,658, plus strand): 5'-CTCCTGTGTTTATTTAAGGAAGACGTAGTGCTGAACATTTGTCCACAGTCTTTGCACTTG[A>G]TTTGGGTTCTGCAATCAGCATGCATGCGCTTATGACGGCAAAGGTTTGAAAACTGAGTAT-3'
Protein context (NP_004982.2, residues 395-415): KRMHADCRTQ[Ile405Thr]KCKDCGQMFS

ClinVar aggregate classification (germline): Uncertain significance (1 of 4 stars; one submission).

Conditions:
Inborn genetic diseases. Identifiers: MedGen C0950123, MeSH D030342.

Submission:

Ambry Genetics
Classification: Uncertain significance for Inborn genetic diseases. Last evaluated: 2025-11-08. Review status: criteria provided, single submitter. Criteria: Ambry Variant Classification Scheme 2023. Collection method: clinical testing. Allele origin: germline.
Comment: The p.I405T variant (also known as c.1214T>C), located in coding exon 8 of the MECOM gene, results from a T to C substitution at nucleotide position 1214. The isoleucine at codon 405 is replaced by threonine, an amino acid with similar properties. This amino acid position is conserved. In addition, this alteration is predicted to be deleterious by in silico analysis. Based on the available evidence, the clinical significance of this variant remains unclear.